The following is an entry in ClinVar:

NM_000089.4(COL1A2):c.3186T>G (p.Ala1062=)

Gene: COL1A2 (collagen type I alpha 2 chain; plus strand). Cytogenetic location: 7q21.3.
Variant type: single nucleotide variant.
Coding change: c.3186T>G on transcript NM_000089.4 (MANE Select); coding-DNA position 3186, T replaced by G.
Protein change: p.Ala1062=; no amino-acid change (alanine 1062 retained).
Molecular consequence: synonymous variant.
Genome position (GRCh38, 1-based): chr7:94,427,214, T>G. VCF-style: chr7-94427214-T-G. GRCh37 (hg19) VCF-style: chr7-94056526-T-G.
Identifiers: ClinVar variation 1190513 (VCV001190513.15), dbSNP rs930277720, ClinGen allele CA162940751.

ClinVar aggregate classification (germline): Likely benign. Review status: criteria provided, multiple submitters, no conflicts (2 of 4 stars). 5 submissions from 5 submitters: Likely benign (4). 1 of the submissions does not count toward it. Last evaluated 2026-03-04.

Conditions:
COL1A2-related disorder. Also called: COL1A2-related condition; COL1A2-Related Disorders.
Osteogenesis imperfecta type I (OI1). Also called: OI, TYPE I; OSTEOGENESIS IMPERFECTA TARDA; OSTEOGENESIS IMPERFECTA WITH BLUE SCLERAE; Classic Non-deforming Osteogenesis Imperfecta with Blue Sclerae; Osteogenesis imperfecta type 1; Lobstein's Disease. Identifiers: Orphanet 216796, Orphanet 666, MedGen C0023931, MONDO:0008146, OMIM 166200. Disease mechanism: loss of function.
Ehlers-Danlos syndrome, classic type, 1 (EDSCL1). Also called: EHLERS-DANLOS SYNDROME, GRAVIS TYPE; EHLERS-DANLOS SYNDROME, SEVERE CLASSIC TYPE; Ehlers-Danlos syndrome, type 1; Ehlers-Danlos Syndrome, Classic Type, COL5A1-Related; EDS I. Identifiers: MedGen C0268335, MONDO:0019567, OMIM 130000.
Cardiovascular phenotype. Identifiers: MedGen CN230736.

Allele frequency attached by ClinVar (database versions not stated): gnomAD exomes below 0.00001 and 0.00001; gnomAD 0.00009 and 0.00007; TOPMed 0.00010.
gnomAD v4.1: 19 of 1,613,928 alleles (0.0012%); highest among the groups gnomAD compares: Admixed American, 0.02%; no homozygotes.

Submissions (5):

Women's Health and Genetics/Laboratory Corporation of America, LabCorp
Classification: Likely benign. Last evaluated: 2026-03-04. Review status: criteria provided, single submitter. Criteria: LabCorp Variant Classification Summary - May 2015. Collection method: clinical testing. Allele origin: germline.

Labcorp Genetics (formerly Invitae), Labcorp
Classification: Likely benign for Osteogenesis imperfecta type I; Ehlers-Danlos syndrome, classic type, 1. Last evaluated: 2025-06-09. Review status: criteria provided, single submitter. Criteria: Invitae Variant Classification Sherloc (09022015). Collection method: clinical testing. Allele origin: germline.

Ambry Genetics
Classification: Likely benign for Cardiovascular phenotype. Last evaluated: 2021-07-08. Review status: criteria provided, single submitter. Criteria: Ambry Variant Classification Scheme 2023. Collection method: clinical testing. Allele origin: germline.

GeneDx
Classification: Likely benign. Last evaluated: 2020-07-26. Review status: criteria provided, single submitter. Criteria: GeneDx Variant Classification Process June 2021. Collection method: clinical testing. Allele origin: germline. Affected: yes.

PreventionGenetics, part of Exact Sciences
Classification: Likely benign for COL1A2-related condition. Last evaluated: 2022-07-26. Review status: no assertion criteria provided. Collection method: clinical testing. Allele origin: germline. Not counted in ClinVar's aggregate classification.
Comment: This variant is classified as likely benign based on ACMG/AMP sequence variant interpretation guidelines (Richards et al. 2015 PMID: 25741868, with internal and published modifications).